The following is an entry in ClinVar:

NM_130837.3(OPA1):c.2506C>T (p.Arg836Trp)

Gene: OPA1 (OPA1 mitochondrial dynamin like GTPase; plus strand). Cytogenetic location: 3q29.
Variant type: single nucleotide variant.
Coding change: c.2506C>T on transcript NM_130837.3 (MANE Select); coding-DNA position 2506, C replaced by T.
Protein change: p.Arg836Trp; replaces arginine 836 with tryptophan.
Molecular consequence: missense variant.
Genome position (GRCh38, 1-based): chr3:193,659,547, C>T. VCF-style: chr3-193659547-C-T. GRCh37 (hg19) VCF-style: chr3-193377336-C-T.
Other names: c.1972C>T, p.Arg658Trp (NM_001354663.2); c.1969C>T, p.Arg657Trp (NM_001354664.2); c.2341C>T, p.Arg781Trp (NM_015560.3); c.2233C>T, p.Arg745Trp (NM_130831.3); c.2287C>T, p.Arg763Trp (NM_130832.3); c.2344C>T, p.Arg782Trp (NM_130833.3); c.2395C>T, p.Arg799Trp (NM_130834.3); c.2398C>T, p.Arg800Trp (NM_130835.3); and 2 more; short protein forms R781W, R836W, R763W, R800W, R818W, R657W, R745W, R658W.
Identifiers: ClinVar variation 214911 (VCV000214911.23), dbSNP rs190235251, ClinGen allele CA320108.

ClinVar aggregate classification (germline): Conflicting classifications of pathogenicity. Review status: criteria provided, conflicting classifications (1 of 4 stars). 10 submissions from 10 submitters: Uncertain significance (7); Likely benign (2). 1 of the submissions does not count toward it. Last evaluated 2026-09-16.

Conditions:
OPA1-related disorder. Also called: OPA1-related condition; OPA1-related disorders.
Optic atrophy. Identifiers: MedGen C0029124, MONDO:0003608, HP:0000648.
Optic atrophy with or without deafness, ophthalmoplegia, myopathy, ataxia, and neuropathy. Also called: OPTIC ATROPHY PLUS SYNDROME. Identifiers: MedGen C3276549, MONDO:0007429, OMIM 125250.
Autosomal dominant optic atrophy classic form (OPA1). Also called: OPTIC ATROPHY, JUVENILE; KJER-TYPE OPTIC ATROPHY; Optic Atrophy Type 1. Identifiers: Orphanet 98673, MedGen C0338508, MONDO:0008134, OMIM 165500.

Allele frequency attached by ClinVar (database versions not stated): TOPMed 0.00016; gnomAD 0.00017 and 0.00016; 1000 Genomes Project 30x 0.00016; 1000 Genomes Project 0.00020.
gnomAD v4.1: 397 of 1,610,984 alleles (0.025%); highest among the groups gnomAD compares: Admixed American, 0.038%; no homozygotes.

Submissions (10):

GeneDx
Classification: Uncertain significance. Last evaluated: 2026-09-16. Review status: criteria provided, single submitter. Criteria: GeneDx Variant Classification Process June 2021. Collection method: clinical testing. Allele origin: germline.
Comment: Observed with and without a second variant in OPA1 in unrelated patients with optic atrophy referred for testing at GeneDx and in published literature (PMID: 19319978, 18496845, 38278202); In silico analysis supports that this missense variant has a deleterious effect on protein structure/function; This variant is associated with the following publications: (PMID: 18496845, 19319978, 26867657, 38278202)

PreventionGenetics, part of Exact Sciences
Classification: Uncertain significance for OPA1-related condition. Last evaluated: 2026-08-24. Review status: criteria provided, single submitter. Criteria: ACMG Guidelines, 2015. Collection method: clinical testing. Allele origin: germline.
Comment: The OPA1 c.2506C>T variant is predicted to result in the amino acid substitution p.Arg836Trp. This variant was previously described in a patient with optic atrophy (reported as p.R781W in Ferre et al. 2009. PubMed ID: 19319978). This variant was also described, along with a frameshift variant in the same gene, in two additional patients with optic atrophy (Table S1, Amore et al. 2024. PubMed ID: 38278202; Chevrollier et al. 2008. PubMed ID: 18496845). However, this variant is reported in 0.036% of alleles in individuals of European (Finnish) descent in gnomAD, which may be too frequent to be a primary cause of disease. Although we suspect that this variant may be benign, at this time, the clinical significance of this variant is uncertain due to the absence of conclusive functional and genetic evidence.

OLLIN Analises Genomicas, OLLIN
Classification: Uncertain significance for Optic atrophy with or without deafness, ophthalmoplegia, myopathy, ataxia, and neuropathy. Last evaluated: 2026-08-06. Review status: criteria provided, single submitter. Criteria: ACMG Guidelines 2015 PMID 25741868. Collection method: clinical testing. Allele origin: germline. Inheritance: Autosomal recessive inheritance.
Comment: This missense variant, located in exon 25 (of 31), has been reported in ClinVar (accession VCV000214911.20) and in gnomAD with an allele frequency of 0.025%. However, to our knowledge, it has not been reported in the scientific literature. In silico analysis predicts that this variant has a deleterious effect. This gene is constrained for missense variation. According to the currently available evidence, this variant has been classified as uncertain significance (PM2_P, PP2, PP3_M).

Labcorp Genetics (formerly Invitae), Labcorp
Classification: Uncertain significance. Last evaluated: 2025-12-20. Review status: criteria provided, single submitter. Criteria: Invitae Variant Classification Sherloc (09022015). Collection method: clinical testing. Allele origin: germline.
Comment: This sequence change replaces arginine, which is basic and polar, with tryptophan, which is neutral and slightly polar, at codon 781 of the OPA1 protein (p.Arg781Trp). This variant is present in population databases (rs190235251, gnomAD 0.03%). This missense change has been observed in individuals with clinical features of OPA1-related conditions (PMID: 18496845, 19319978, 38278202). ClinVar contains an entry for this variant (Variation ID: 214911). Invitae Evidence Modeling of protein sequence and biophysical properties (such as structural, functional, and spatial information, amino acid conservation, physicochemical variation, residue mobility, and thermodynamic stability) indicates that this missense variant is not expected to disrupt OPA1 protein function with a negative predictive value of 80%. In summary, the available evidence is currently insufficient to determine the role of this variant in disease. Therefore, it has been classified as a Variant of Uncertain Significance.

Women's Health and Genetics/Laboratory Corporation of America, LabCorp
Classification: Uncertain significance. Last evaluated: 2025-04-23. Review status: criteria provided, single submitter. Criteria: LabCorp Variant Classification Summary - May 2015. Collection method: clinical testing. Allele origin: germline.
Comment: Variant summary: OPA1 c.2341C>T (p.Arg781Trp) results in a non-conservative amino acid change in the encoded protein sequence. Five of five in-silico tools predict a damaging effect of the variant on protein function. The variant allele was found at a frequency of 0.00018 in 247974 control chromosomes. This frequency is not significantly higher than estimated for a pathogenic variant in OPA1 causing OPA1-Related Disorders, allowing no conclusion about variant significance. c.2341C>T has been observed in at least two individuals affected with optic atrophy, however in both cases a second variant resulting in a premature truncation was found and no information on variant phasing or segregation data was reported (e.g. Chevrollier_2008, Ferre_2009, Amore_2024). These report(s) do not provide unequivocal conclusions about association of the variant with OPA1-Related Disorders. To our knowledge, no experimental evidence demonstrating an impact on protein function has been reported. The following publications have been ascertained in the context of this evaluation (PMID: 38278202, 18496845, 19319978). ClinVar contains an entry for this variant (Variation ID: 214911). Based on the evidence outlined above, the variant was classified as uncertain significance.

Blueprint Genetics
Classification: Likely benign. Last evaluated: 2024-08-30. Review status: criteria provided, single submitter. Criteria: ACMG Guidelines, 2015. Collection method: clinical testing. Allele origin: germline.

Mayo Clinic Laboratories, Mayo Clinic
Classification: Uncertain significance. Last evaluated: 2023-12-27. Review status: criteria provided, single submitter. Criteria: ACMG Guidelines, 2015. Collection method: clinical testing. Allele origin: germline. Observed: 2 variant alleles.
Comment: PP3, PM2_moderate

Revvity Omics, Revvity
Classification: Uncertain significance. Last evaluated: 2023-06-20. Review status: criteria provided, single submitter. Criteria: ACMG Guidelines, 2015. Collection method: clinical testing. Allele origin: germline.

Illumina Laboratory Services, Illumina
Classification: Likely benign for Autosomal dominant optic atrophy classic form. Last evaluated: 2017-04-27. Review status: criteria provided, single submitter. Criteria: ICSL Variant Classification Criteria 13 December 2019. Collection method: clinical testing. Allele origin: germline.
Comment: This variant was observed as part of a predisposition screen in an ostensibly healthy population. A literature search was performed for the gene, cDNA change, and amino acid change (where applicable). Publications were found based on this search. The evidence from the literature, in combination with allele frequency data from public databases where available, was sufficient to determine this variant is unlikely to cause disease. Therefore, this variant is classified as likely benign.

Institute of Human Genetics, Univ. Regensburg, Univ. Regensburg
Classification: Uncertain significance for Optic atrophy. Last evaluated: 2022-01-01. Review status: no assertion criteria provided. Criteria: ACMG Guidelines, 2015. Collection method: clinical testing. Allele origin: germline. Affected: yes. Not counted in ClinVar's aggregate classification.

Literature cited by the submitters: PubMed 18496845 (cited by 4 submitters); PubMed 19319978 (cited by 4 submitters); PubMed 38278202 (cited by Labcorp Genetics (formerly Invitae), Labcorp and Women's Health and Genetics/Laboratory Corporation of America, LabCorp); PubMed 26867657 (cited by Mayo Clinic Laboratories, Mayo Clinic).